The following is an entry in ClinVar:

NM_000137.4(FAH):c.914-1G>A

Gene: FAH (fumarylacetoacetate hydrolase; plus strand). Cytogenetic location: 15q25.1.
Variant type: single nucleotide variant.
Coding change: c.914-1G>A on transcript NM_000137.4 (MANE Select); the canonical splice acceptor site of the intron before coding-DNA position 914, G replaced by A.
Molecular consequence: splice acceptor variant.
Genome position (GRCh38, 1-based): chr15:80,177,536, G>A. VCF-style: chr15-80177536-G-A. GRCh37 (hg19) VCF-style: chr15-80469878-G-A.
Other names: GRCh38.p13 15:80177536; c.914-1G>A (NM_001374377.1, NM_001374380.1, NM_000137.2).
Identifiers: ClinVar variation 1521591 (VCV001521591.26), dbSNP rs2142105483, ClinGen allele CA393621522.
Genomic context (GRCh38, chr15:80,177,536, plus strand): 5'-TTATTTTCCTCCCTGATGCATGGAATTAAGTTTTCATCAATATTGCTTTTCTTTCCAACA[G>A]GAGAAGGAATGAGCCAGGCGGCTACCATATGCAAGTCCAATTTTAAGGTAAGCTTTGACG-3'

ClinVar aggregate classification (germline): Pathogenic/Likely pathogenic. Review status: criteria provided, multiple submitters, no conflicts (2 of 4 stars). 3 submissions from 3 submitters: Pathogenic (2); Likely pathogenic (1). Last evaluated 2025-08-07.

Conditions:
Tyrosinemia type I (TYRSN1). Also called: Tyrosinemia type 1; Fumarylacetoacetase deficiency; FAH DEFICIENCY; Deficiency of fumarylacetoacetase; HEPATORENAL TYROSINEMIA. Identifiers: Orphanet 882, MedGen C0268490, MONDO:0010161, OMIM 276700. Disease mechanism: loss of function.

Submissions (3):

Natera, Inc.
Classification: Pathogenic for Tyrosinemia type I. Last evaluated: 2025-08-07. Review status: criteria provided, single submitter. Criteria: Natera Variant Classification Schema (03/2026). Collection method: clinical testing. Allele origin: germline.
Comment: The c.914-1G>A variant in FAH is a canonical splice acceptor site variant predicted to affect pre-mRNA splicing, which may result in an abnormal transcript and altered protein product. This variant is expected to result in nonsense mediated decay, truncation, or a dysfunctional protein product. This variant is rare in the general population with a frequency below the threshold expected for the associated phenotype(s). This variant has been observed in one or more individuals affected with the associated recessive disease, as either homozygous or compound heterozygous with a second variant (PMID: 36463171). Functional studies show that this variant may disrupt protein function (PMID: 36463171). Given the available evidence, this variant is classified as Pathogenic.

Labcorp Genetics (formerly Invitae), Labcorp
Classification: Likely pathogenic for Tyrosinemia type I. Last evaluated: 2021-08-18. Review status: criteria provided, single submitter. Criteria: Invitae Variant Classification Sherloc (09022015). Collection method: clinical testing. Allele origin: germline.
Comment: In summary, the currently available evidence indicates that the variant is pathogenic, but additional data are needed to prove that conclusively. Therefore, this variant has been classified as Likely Pathogenic. Algorithms developed to predict the effect of sequence changes on RNA splicing suggest that this variant may disrupt the consensus splice site. This variant has not been reported in the literature in individuals affected with FAH-related conditions. This variant is not present in population databases (ExAC no frequency). This sequence change affects an acceptor splice site in intron 10 of the FAH gene. It is expected to disrupt RNA splicing. Variants that disrupt the donor or acceptor splice site typically lead to a loss of protein function (PMID: 16199547), and loss-of-function variants in FAH are known to be pathogenic (PMID: 9101289, 9633815).

Department of Medical Genetics and Prenatal Diagnosis, Taizhou People's Hospital
Classification: Pathogenic for Tyrosinemia type I. Review status: criteria provided, single submitter. Criteria: ACMG Guidelines, 2015. Collection method: clinical testing. Allele origin: inherited. Inheritance: Autosomal recessive inheritance. Affected: yes. Observed: 1 homozygote.

Literature cited by the submitters: PubMed 36463171 (cited by Natera, Inc.); PubMed 16199547 (cited by Labcorp Genetics (formerly Invitae), Labcorp); PubMed 9101289 (cited by Labcorp Genetics (formerly Invitae), Labcorp); PubMed 9633815 (cited by Labcorp Genetics (formerly Invitae), Labcorp).